The following is an entry in ClinVar:

ClinVar aggregate classification (germline): Uncertain significance (1 of 4 stars; one submission).

Conditions:
Hereditary cancer-predisposing syndrome. Also called: Neoplastic Syndromes, Hereditary; Tumor predisposition; Hereditary Cancer Syndrome; Hereditary neoplastic syndrome. Identifiers: Orphanet 140162, MedGen C0027672, MeSH D009386, MONDO:0015356.

Submission:

Ambry Genetics
Classification: Uncertain significance for Hereditary cancer-predisposing syndrome. Last evaluated: 2025-09-02. Review status: criteria provided, single submitter. Criteria: Ambry Variant Classification Scheme 2023. Collection method: clinical testing. Allele origin: germline.
Comment: The p.G69E variant (also known as c.206G>A) is located in coding exon 3 of the BRIP1 gene. The glycine at codon 69 is replaced by glutamic acid, an amino acid with similar properties. This amino acid position is not well conserved in available vertebrate species. In addition, this alteration is predicted to be tolerated by in silico analysis. Based on the available evidence, the clinical significance of this variant remains unclear.

NM_032043.3(BRIP1):c.206G>A (p.Gly69Glu)

Gene: BRIP1 (BRCA1 interacting DNA helicase 1; minus strand). Cytogenetic location: 17q23.2.
Variant type: single nucleotide variant.
Coding change: c.206G>A on transcript NM_032043.3 (MANE Select); coding-DNA position 206, G replaced by A.
Protein change: p.Gly69Glu; replaces glycine 69 with glutamic acid.
Molecular consequence: missense variant.
Genome position (GRCh38, 1-based): chr17:61,857,231, C>T on the plus strand (G>A on the coding strand, the complement: BRIP1 is on the minus strand). VCF-style: chr17-61857231-C-T. GRCh37 (hg19) VCF-style: chr17-59934592-C-T.
Other names: short protein forms G69E.
Identifiers: ClinVar variation 1785356 (VCV001785356.3), dbSNP rs2145831739, ClinGen allele CA400485631.